The following is an entry in ClinVar:

ClinVar aggregate classification (germline): Likely benign (0 of 4 stars; one submission).

Conditions:
GLS-related disorder. Also called: GLS-related condition.

Submission:

PreventionGenetics, part of Exact Sciences
Classification: Likely benign for GLS-related condition. Last evaluated: 2021-05-13. Review status: no assertion criteria provided. Collection method: clinical testing. Allele origin: germline.
Comment: This variant is classified as likely benign based on ACMG/AMP sequence variant interpretation guidelines (Richards et al. 2015 PMID: 25741868, with internal and published modifications).

NM_014905.5(GLS):c.-212GCA[19]

Genes: GLS (glutaminase; plus strand), LOC129935268 (ATAC-STARR-seq lymphoblastoid silent region 12186; plus strand). Cytogenetic location: 2q32.2.
Variant type: Microsatellite.
Coding change: c.-212GCA[19] on transcript NM_014905.5 (MANE Select); 19 copies in a row of the 3-base unit GCA starting at c.-212; the reference has 16 copies in a row; three copies, 9 bases duplicated.
Molecular consequence: 5 prime UTR variant.
Genome position (GRCh38, 1-based): chr2:190,880,912-190,880,920, GCAGCAGCA duplicated; duplicating any 9 consecutive bases within chr2:190,880,873-190,880,920 gives the same sequence; the position shown is the placement nearest the transcript's 3' end. VCF-style (leftmost placement, unchanged base first): chr2-190880872-C-CGCAGCAGCA. GRCh37 (hg19) VCF-style: chr2-191745598-C-CGCAGCAGCA.
Other names: c.-212GCA[19] (NM_001256310.2).
Identifiers: ClinVar variation 3047419 (VCV003047419.2), dbSNP rs57674096, ClinGen allele CA430329452.
Genomic context (GRCh38, chr2:190,880,872, plus strand): 5'-TTTAGCCTCAGTGCGGAGCCTTAGGCGGAGCGAAGAGAACCGGTCGCGGCAATCCTAGCG[C>CGCAGCAGCA]GCAGCAGCAGCAGCAGCAGCAGCAGCAGCAGCAGCAGCAGCAGCAGCACCCGCATCCGCT-3'